The following is an entry in ClinVar:

NM_152703.5(SAMD9L):c.4234G>C (p.Glu1412Gln)

Gene: SAMD9L (sterile alpha motif domain containing 9 like; minus strand). Cytogenetic location: 7q21.2.
Variant type: single nucleotide variant.
Coding change: c.4234G>C on transcript NM_152703.5 (MANE Select); coding-DNA position 4234, G replaced by C.
Protein change: p.Glu1412Gln; replaces glutamic acid 1412 with glutamine.
Molecular consequence: missense variant.
Genome position (GRCh38, 1-based): chr7:93,131,738, C>G on the plus strand (G>C on the coding strand, the complement: SAMD9L is on the minus strand). VCF-style: chr7-93131738-C-G. GRCh37 (hg19) VCF-style: chr7-92761051-C-G.
Other names: c.4234G>C, p.Glu1412Gln (NM_001303496.3, NM_001303497.3, NM_001303498.3 and 5 more transcripts); short protein forms E1412Q.
Identifiers: ClinVar variation 5028978 (VCV005028978.1).

ClinVar aggregate classification (germline): Uncertain significance (1 of 4 stars; one submission).

Conditions:
Inborn genetic diseases. Identifiers: MedGen C0950123, MeSH D030342.

Submission:

Ambry Genetics
Classification: Uncertain significance for Inborn genetic diseases. Last evaluated: 2026-08-31. Review status: criteria provided, single submitter. Criteria: Ambry Variant Classification Scheme 2023. Collection method: clinical testing. Allele origin: germline.
Comment: The p.E1412Q variant (also known as c.4234G>C), located in coding exon 1 of the SAMD9L gene, results from a G to C substitution at nucleotide position 4234. The glutamic acid at codon 1412 is replaced by glutamine, an amino acid with highly similar properties. This amino acid position is conserved. In addition, this alteration is predicted to be tolerated by in silico analysis. Based on the available evidence, the clinical significance of this variant remains unclear.